The following is an entry in ClinVar:

ClinVar aggregate classification (germline): Likely pathogenic (1 of 4 stars; one submission).

Allele frequency attached by ClinVar (database versions not stated): gnomAD exomes 0.00001.

Submission:

GeneDx
Classification: Likely pathogenic. Last evaluated: 2016-12-19. Review status: criteria provided, single submitter. Criteria: GeneDx Variant Classification (06012015). Collection method: clinical testing. Allele origin: germline. Affected: yes.
Comment: A novel c.1651_1652delAT variant that is likely pathogenic has been identified in the CNTNAP2 gene. The c.1651_1652delAT variant has not been published as a pathogenic variant, nor has it been reported as a benign variant to our knowledge. The c.1651_1652delAT variant is not observed in large population cohorts (Lek et al., 2016; 1000 Genomes Consortium et al., 2015; Exome Variant Server). The c.1651_1652delAT variant causes a frameshift starting with codon Methionine 551, changes this amino acid to a Valine residue and creates a premature Stop codon at position 13 of the new reading frame, denoted p.Met551ValfsX13. This variant is predicted to cause loss of normal protein function either through protein truncation or nonsense-mediated mRNA decay. Although this variant has not been reported previously to our knowledge, other frameshift variants have been reported in the Human Gene Mutation Database in association with CNTNAP2-related disorders (Stenson et al., 2014). Therefore, this variant is likely pathogenic; however, the possibility that it is benign cannot be excluded.

NM_014141.6(CNTNAP2):c.1651_1652del (p.Met551fs)

Gene: CNTNAP2 (contactin associated protein 2; plus strand). Cytogenetic location: 7q35.
Variant type: Deletion.
Coding change: c.1651_1652del on transcript NM_014141.6 (MANE Select); coding-DNA positions 1651 to 1652, 2 bases deleted (AT; older notation c.1651_1652delAT).
Protein change: p.Met551fs; shifts the reading frame from methionine 551.
Molecular consequence: frameshift variant.
Genome position (GRCh38, 1-based): chr7:147,395,761-147,395,762, AT deleted. VCF-style (leftmost placement, unchanged base first): chr7-147395760-CAT-C. GRCh37 (hg19) VCF-style: chr7-147092852-CAT-C.
Other names: short protein forms M551fs.
Identifiers: ClinVar variation 422891 (VCV000422891.2), dbSNP rs1064796071, ClinGen allele CA16618379.